The following is an entry in ClinVar:

NM_004525.3(LRP2):c.9212C>G (p.Pro3071Arg)

Gene: LRP2 (LDL receptor related protein 2; minus strand). Cytogenetic location: 2q31.1.
Variant type: single nucleotide variant.
Coding change: c.9212C>G on transcript NM_004525.3 (MANE Select); coding-DNA position 9212, C replaced by G.
Protein change: p.Pro3071Arg; replaces proline 3071 with arginine.
Molecular consequence: missense variant.
Genome position (GRCh38, 1-based): chr2:169,188,086, G>C on the plus strand (C>G on the coding strand, the complement: LRP2 is on the minus strand). VCF-style: chr2-169188086-G-C. GRCh37 (hg19) VCF-style: chr2-170044596-G-C.
Other names: short protein forms P3071R.
Identifiers: ClinVar variation 1969335 (VCV001969335.3), dbSNP rs377405517, ClinGen allele CA1953643.

ClinVar aggregate classification (germline): Uncertain significance (1 of 4 stars; one submission).

Allele frequency attached by ClinVar (database versions not stated): gnomAD exomes below 0.00001.
gnomAD v4.1: 7 of 1,614,006 alleles (0.00043%); highest among the groups gnomAD compares: Non-Finnish European, 0.00051%; no homozygotes.

Submission:

Labcorp Genetics (formerly Invitae), Labcorp
Classification: Uncertain significance. Last evaluated: 2024-04-05. Review status: criteria provided, single submitter. Criteria: Invitae Variant Classification Sherloc (09022015). Collection method: clinical testing. Allele origin: germline.
Comment: This sequence change replaces proline, which is neutral and non-polar, with arginine, which is basic and polar, at codon 3071 of the LRP2 protein (p.Pro3071Arg). This variant is present in population databases (rs377405517, gnomAD no frequency). This variant has not been reported in the literature in individuals affected with LRP2-related conditions. ClinVar contains an entry for this variant (Variation ID: 1969335). Advanced modeling of protein sequence and biophysical properties (such as structural, functional, and spatial information, amino acid conservation, physicochemical variation, residue mobility, and thermodynamic stability) performed at Invitae indicates that this missense variant is not expected to disrupt LRP2 protein function with a negative predictive value of 95%. In summary, the available evidence is currently insufficient to determine the role of this variant in disease. Therefore, it has been classified as a Variant of Uncertain Significance.